The following is an entry in ClinVar:

ClinVar aggregate classification (germline): Likely benign (1 of 4 stars; one submission).

Conditions:
ARMC5-related disorder. Also called: ARMC5-related condition.

gnomAD v4.1: 179 of 1,535,662 alleles (0.012%); highest among the groups gnomAD compares: African/African-American, 0.21%; 1 homozygote.

Submission:

PreventionGenetics, part of Exact Sciences
Classification: Likely benign for ARMC5-related condition. Last evaluated: 2025-05-27. Review status: criteria provided, single submitter. Criteria: ACMG Guidelines, 2015. Collection method: clinical testing. Allele origin: germline.
Comment: This variant is classified as likely benign based on ACMG/AMP sequence variant interpretation guidelines (Richards et al. 2015 PMID: 25741868, with internal and published modifications).

NM_001288767.2(ARMC5):c.147C>G (p.Asp49Glu)

Gene: ARMC5 (armadillo repeat containing 5; plus strand). Cytogenetic location: 16p11.2.
Variant type: single nucleotide variant.
Coding change: c.147C>G on transcript NM_001288767.2; coding-DNA position 147, C replaced by G.
Protein change: p.Asp49Glu; replaces aspartic acid 49 with glutamic acid.
Molecular consequence: missense variant. On other transcripts: 5 prime UTR variant (1).
Genome position (GRCh38, 1-based): chr16:31,458,895, C>G. VCF-style: chr16-31458895-C-G. GRCh37 (hg19) VCF-style: chr16-31470216-C-G.
Other names: c.-407C>G (NM_001301820.1); short protein forms D49E.
Identifiers: ClinVar variation 4982487 (VCV004982487.1).